The following is an entry in ClinVar:

NM_152443.3(RDH12):c.482G>A (p.Arg161Gln)

Genes: GPHN (gephyrin; plus strand), RDH12 (retinol dehydrogenase 12; plus strand). Cytogenetic location: 14q24.1.
Variant type: single nucleotide variant.
Coding change: c.482G>A on transcript NM_152443.3 (MANE Select); coding-DNA position 482, G replaced by A.
Protein change: p.Arg161Gln; replaces arginine 161 with glutamine.
Molecular consequence: missense variant.
Genome position (GRCh38, 1-based): chr14:67,727,014, G>A. VCF-style: chr14-67727014-G-A. GRCh37 (hg19) VCF-style: chr14-68193731-G-A.
Other names: short protein forms R161Q.
Identifiers: ClinVar variation 313838 (VCV000313838.31), dbSNP rs17852293, ClinGen allele CA7238729.
Genomic context (GRCh38, chr14:67,727,014, plus strand): 5'-AATCTTCCCTGCTGGCTCTCCTCACAGGCCACTTCCTCCTCACCTACCTGCTCCTGGAGC[G>A]GCTAAAGGTGTCTGCCCCTGCACGGGTGGTTAATGTGTCCTCGGTGGCTCACCACATTGG-3'
Protein context (NP_689656.2, residues 151-171): HFLLTYLLLE[Arg161Gln]LKVSAPARVV

ClinVar aggregate classification (germline): Benign/Likely benign. Review status: criteria provided, multiple submitters, no conflicts (2 of 4 stars). 10 submissions from 10 submitters: Benign (6); Likely benign (3). 1 of the submissions does not count toward it. Last evaluated 2026-02-04.

Conditions:
Leber congenital amaurosis 13 (LCA13). Identifiers: MedGen C2675186, MONDO:0012990, OMIM 612712.
Leber congenital amaurosis (LCA). Also called: Leber's amaurosis. Identifiers: Orphanet 65, MedGen C0339527, MeSH D057130, MONDO:0018998.
Retinitis pigmentosa (RP). Identifiers: Orphanet 791, MedGen C0035334, MeSH D012174, MONDO:0019200, OMIM 268000. Inheritance: Autosomal dominant, autosomal recessive and X linked inheritance.
Retinal dystrophy. Also called: Inherited retinal dystrophy. Identifiers: Orphanet 71862, MedGen C0854723, MeSH D058499, MONDO:0019118, HP:0000556.

Allele frequency attached by ClinVar (database versions not stated): 1000 Genomes Project 0.10523; 1000 Genomes Project 30x 0.10790; TOPMed 0.11849; ESP Exome Variant Server 0.11964; gnomAD 0.12003 and 0.12044; ExAC 0.13258.
gnomAD v4.1: 209,257 of 1,612,778 alleles (13%); highest among the groups gnomAD compares: Admixed American, 14%; 14,098 homozygotes.

Submissions (10):

Labcorp Genetics (formerly Invitae), Labcorp
Classification: Benign for Leber congenital amaurosis 13. Last evaluated: 2026-02-04. Review status: criteria provided, single submitter. Criteria: Invitae Variant Classification Sherloc (09022015). Collection method: clinical testing. Allele origin: germline.

Blueprint Genetics
Classification: Benign. Last evaluated: 2024-11-28. Review status: criteria provided, single submitter. Criteria: ACMG Guidelines, 2015. Collection method: clinical testing. Allele origin: germline.

ARUP Laboratories, Molecular Genetics and Genomics, ARUP Laboratories
Classification: Benign for Leber congenital amaurosis 13. Last evaluated: 2023-11-11. Review status: criteria provided, single submitter. Criteria: ARUP Molecular Germline Variant Investigation Process 2024. Collection method: clinical testing. Allele origin: germline.

Dept Of Ophthalmology, Nagoya University
Classification: Benign for Retinal dystrophy. Last evaluated: 2023-10-01. Review status: criteria provided, single submitter. Criteria: Submitter's publication. Collection method: research. Allele origin: germline. Affected: yes.

Women's Health and Genetics/Laboratory Corporation of America, LabCorp
Classification: Likely benign. Last evaluated: 2021-12-03. Review status: criteria provided, single submitter. Criteria: LabCorp Variant Classification Summary - May 2015. Collection method: clinical testing. Allele origin: germline.

Genome-Nilou Lab
Classification: Benign for Leber congenital amaurosis 13. Last evaluated: 2021-07-01. Review status: criteria provided, single submitter. Criteria: ACMG Guidelines, 2015. Collection method: clinical testing. Allele origin: germline. Affected: no.

GeneDx
Classification: Benign. Last evaluated: 2021-05-05. Review status: criteria provided, single submitter. Criteria: GeneDx Variant Classification Process June 2021. Collection method: clinical testing. Allele origin: germline. Affected: yes.
Comment: This variant is associated with the following publications: (PMID: 27939946)

Illumina Laboratory Services, Illumina
Classification: Likely benign for Retinitis pigmentosa. Last evaluated: 2018-01-15. Review status: criteria provided, single submitter. Criteria: ICSL Variant Classification Criteria 13 December 2019. Collection method: clinical testing. Allele origin: germline.
Comment: This variant was observed as part of a predisposition screen in an ostensibly healthy population. A literature search was performed for the gene, cDNA change, and amino acid change (where applicable). No publications were found based on this search. Allele frequency data from public databases allowed determination this variant is unlikely to cause disease. Therefore, this variant is classified as likely benign.

Breakthrough Genomics
Classification: Likely benign. Review status: criteria provided, single submitter. Criteria: ACMG Guidelines, 2015. Collection method: not provided. Allele origin: germline. Inheritance: Autosomal dominant inheritance. Affected: yes.

Natera, Inc.
Classification: Benign for Leber congenital amaurosis. Last evaluated: 2020-09-16. Review status: no assertion criteria provided. Collection method: clinical testing. Allele origin: germline. Not counted in ClinVar's aggregate classification.